The following is an entry in ClinVar:

NM_001365999.1(SZT2):c.7253G>A (p.Gly2418Asp)

Gene: SZT2 (SZT2 subunit of KICSTOR complex; plus strand). Cytogenetic location: 1p34.2.
Variant type: single nucleotide variant.
Coding change: c.7253G>A on transcript NM_001365999.1 (MANE Select); coding-DNA position 7253, G replaced by A.
Protein change: p.Gly2418Asp; replaces glycine 2418 with aspartic acid.
Molecular consequence: missense variant.
Genome position (GRCh38, 1-based): chr1:43,440,495, G>A. VCF-style: chr1-43440495-G-A. GRCh37 (hg19) VCF-style: chr1-43906166-G-A.
Other names: c.7082G>A, p.Gly2361Asp (NM_015284.4); short protein forms G2361D, G2418D.
Identifiers: ClinVar variation 841127 (VCV000841127.12), dbSNP rs370433500, ClinGen allele CA810167.

ClinVar aggregate classification (germline): Uncertain significance. Review status: criteria provided, multiple submitters, no conflicts (2 of 4 stars). 4 submissions from 4 submitters: Uncertain significance (4). Last evaluated 2024-08-01.

Conditions:
Developmental and epileptic encephalopathy, 18 (DEE18). Also called: Early infantile epileptic encephalopathy 18. Identifiers: Orphanet 369894, MedGen C3809624, MONDO:0014201, OMIM 615476.

Allele frequency attached by ClinVar (database versions not stated): gnomAD 0.00004 and 0.00003; gnomAD exomes 0.00002 and 0.00004; ESP Exome Variant Server 0.00008; TOPMed 0.00003; ExAC 0.00004.
gnomAD v4.1: 37 of 1,607,678 alleles (0.0023%); highest among the groups gnomAD compares: Admixed American, 0.0085%; no homozygotes.

Submissions (4):

Revvity Omics, Revvity
Classification: Uncertain significance for Developmental and epileptic encephalopathy, 18. Last evaluated: 2024-08-01. Review status: criteria provided, single submitter. Criteria: ACMG Guidelines, 2015. Collection method: clinical testing. Allele origin: germline.

Genome-Nilou Lab
Classification: Uncertain significance for Developmental and epileptic encephalopathy, 18. Last evaluated: 2023-04-11. Review status: criteria provided, single submitter. Criteria: ACMG Guidelines, 2015. Collection method: clinical testing. Allele origin: germline. Affected: no.

GeneDx
Classification: Uncertain significance. Last evaluated: 2022-06-09. Review status: criteria provided, single submitter. Criteria: GeneDx Variant Classification Process June 2021. Collection method: clinical testing. Allele origin: germline. Affected: yes.
Comment: Not observed at a significant frequency in large population cohorts (gnomAD); In silico analysis supports that this missense variant does not alter protein structure/function; Has not been previously published as pathogenic or benign to our knowledge

Labcorp Genetics (formerly Invitae), Labcorp
Classification: Uncertain significance. Last evaluated: 2022-02-03. Review status: criteria provided, single submitter. Criteria: Invitae Variant Classification Sherloc (09022015). Collection method: clinical testing. Allele origin: germline.
Comment: This sequence change replaces glycine, which is neutral and non-polar, with aspartic acid, which is acidic and polar, at codon 2361 of the SZT2 protein (p.Gly2361Asp). This variant is present in population databases (rs370433500, gnomAD 0.008%). This variant has not been reported in the literature in individuals affected with SZT2-related conditions. ClinVar contains an entry for this variant (Variation ID: 841127). Algorithms developed to predict the effect of missense changes on protein structure and function output the following: SIFT: "Tolerated"; PolyPhen-2: "Benign"; Align-GVGD: "Class C0". The aspartic acid amino acid residue is found in multiple mammalian species, which suggests that this missense change does not adversely affect protein function. In summary, the available evidence is currently insufficient to determine the role of this variant in disease. Therefore, it has been classified as a Variant of Uncertain Significance.